The following is an entry in ClinVar:

NM_182961.4(SYNE1):c.13511A>C (p.Lys4504Thr)

Gene: SYNE1 (spectrin repeat containing nuclear envelope protein 1; minus strand). Cytogenetic location: 6q25.2.
Variant type: single nucleotide variant.
Coding change: c.13511A>C on transcript NM_182961.4 (MANE Select); coding-DNA position 13511, A replaced by C.
Protein change: p.Lys4504Thr; replaces lysine 4504 with threonine.
Molecular consequence: missense variant.
Genome position (GRCh38, 1-based): chr6:152,331,174, T>G on the plus strand (A>C on the coding strand, the complement: SYNE1 is on the minus strand). VCF-style: chr6-152331174-T-G. GRCh37 (hg19) VCF-style: chr6-152652309-T-G.
Other names: c.13298A>C, p.Lys4433Thr (NM_033071.5); short protein forms K4433T, K4504T.
Identifiers: ClinVar variation 2110231 (VCV002110231.4), dbSNP rs753981621, ClinGen allele CA366101519.

ClinVar aggregate classification (germline): Uncertain significance (1 of 4 stars; one submission).

Conditions:
Emery-Dreifuss muscular dystrophy 4, autosomal dominant (EDMD4). Also called: EMERY-DREIFUSS MUSCULAR DYSTROPHY 4 WITH VARIABLE FEATURES. Identifiers: Orphanet 261, MedGen C2751807, MONDO:0013071, OMIM 612998.
Autosomal recessive ataxia, Beauce type. Also called: SYNE1 Deficiency; Spinocerebellar ataxia, autosomal recessive 8; ATAXIA, RECESSIVE, OF BEAUCE; SYNE1-Related Autosomal Recessive Cerebellar Ataxia. Identifiers: Orphanet 88644, MedGen C1853116, MONDO:0012549, OMIM 610743.

Submission:

Labcorp Genetics (formerly Invitae), Labcorp
Classification: Uncertain significance for Emery-Dreifuss muscular dystrophy 4, autosomal dominant; Autosomal recessive ataxia, Beauce type. Last evaluated: 2022-03-12. Review status: criteria provided, single submitter. Criteria: Invitae Variant Classification Sherloc (09022015). Collection method: clinical testing. Allele origin: germline.
Comment: In summary, the available evidence is currently insufficient to determine the role of this variant in disease. Therefore, it has been classified as a Variant of Uncertain Significance. Algorithms developed to predict the effect of missense changes on protein structure and function (SIFT, PolyPhen-2, Align-GVGD) all suggest that this variant is likely to be disruptive. This variant has not been reported in the literature in individuals affected with SYNE1-related conditions. This variant is not present in population databases (gnomAD no frequency). This sequence change replaces lysine, which is basic and polar, with threonine, which is neutral and polar, at codon 4433 of the SYNE1 protein (p.Lys4433Thr).